The following is an entry in ClinVar:

NM_007294.4(BRCA1):c.5561T>C (p.Leu1854Pro)

Gene: BRCA1 (BRCA1 DNA repair associated; minus strand). Cytogenetic location: 17q21.31.
Variant type: single nucleotide variant.
Coding change: c.5561T>C on transcript NM_007294.4 (MANE Select); coding-DNA position 5561, T replaced by C.
Protein change: p.Leu1854Pro; replaces leucine 1854 with proline.
Molecular consequence: missense variant. On other transcripts: 3 prime UTR variant (1), non-coding transcript variant (1).
Genome position (GRCh38, 1-based): chr17:43,045,709, A>G on the plus strand (T>C on the coding strand, the complement: BRCA1 is on the minus strand). VCF-style: chr17-43045709-A-G. GRCh37 (hg19) VCF-style: chr17-41197726-A-G.
Other names: NM_007294.4(BRCA1):c.5561T>C; p.Leu1854Pro; 5680T>C; c.5477T>C, p.Leu1826Pro (NM_001407662.1, NM_001407663.1, NM_001407659.1 and 2 more transcripts); c.5438T>C, p.Leu1813Pro (NM_001407664.1, NM_001407665.1, NM_001407666.1 and 3 more transcripts); c.5435T>C, p.Leu1812Pro (NM_001407670.1, NM_001407671.1, NM_001407672.1 and 8 more transcripts); c.2249T>C, p.Leu750Pro (NM_001407979.1, NM_001407980.1, NM_001407981.1 and 11 more transcripts); c.5558T>C, p.Leu1853Pro (NM_001407621.1, NM_001407622.1, NM_001407623.1 and 14 more transcripts); and 77 more; short protein forms L1854P, L1875P, L750P, L1807P, L1557P, L1700P, L1783P, L1785P.
Identifiers: ClinVar variation 55631 (VCV000055631.27), dbSNP rs80356996, ClinGen allele CA003718.

ClinVar aggregate classification (germline): Likely pathogenic. Review status: reviewed by expert panel (3 of 4 stars). 8 submissions from 8 submitters: Likely pathogenic (1). 7 of the submissions do not count toward it. Last evaluated 2025-08-18.

Conditions:
Hereditary cancer-predisposing syndrome. Also called: Hereditary Cancer Syndrome; Hereditary neoplastic syndrome; Neoplastic Syndromes, Hereditary; Tumor predisposition. Identifiers: Orphanet 140162, MedGen C0027672, MeSH D009386, MONDO:0015356.
Breast-ovarian cancer, familial, susceptibility to, 1 (BROVCA1). Also called: BRCA1 Hereditary Breast and Ovarian Cancer; OVARIAN CANCER, SUSCEPTIBILITY TO. Identifiers: Orphanet 145, MedGen C2676676, MONDO:0011450, OMIM 604370. Disease mechanism: loss of function.
BRCA1-related cancer predisposition. Identifiers: MedGen CN377757, MONDO:0700268.
Hereditary breast ovarian cancer syndrome. Also called: BRCA1- and BRCA2-Associated Hereditary Breast and Ovarian Cancer; Hereditary breast and ovarian cancer syndrome; Hereditary breast and ovarian cancer syndrome (HBOC); Breast and ovarian cancer; Hereditary breast and/or ovarian cancer syndrome; Hereditary breast and ovarian cancer. Identifiers: Orphanet 145, MedGen C0677776, MeSH D061325, MONDO:0003582. Disease mechanism: loss of function.
Familial cancer of breast. Also called: hereditary breast carcinoma; BREAST CANCER, FAMILIAL; Hereditary breast cancer. Identifiers: Orphanet 227535, MedGen C0346153, MONDO:0016419, OMIM 114480. Disease mechanism: loss of function.

Submissions (9):

ClinGen ENIGMA BRCA1 and BRCA2 Variant Curation Expert Panel, ClinGen
Classification: Likely pathogenic for BRCA1-related cancer predisposition. Last evaluated: 2025-08-18. Review status: reviewed by expert panel. Criteria: CSpec BRCA1/2ACMG Rules Specifications V1.2. Collection method: curation. Allele origin: germline. Inheritance: Autosomal dominant inheritance.
Comment: The c.5561T>C variant in BRCA1 is a missense variant predicted to cause substitution of Leucine by Proline at amino acid 1854 (p.(Leu1854Pro)). This variant is absent from gnomAD v2.1 (exomes only, non-cancer subset, read depth ≥25) and gnomAD v3.1 (non-cancer subset, read depth ≥25) (PM2_Supporting met). Reported by two calibrated studies to exhibit protein function similar to pathogenic control variants (PMIDs:30209399, 38709234) (PS3 met). This BRCA1 missense variant is within a key functional domain and the computational predictor BayesDel (noAF) gives a score of 0.41, above the recommended threshold of 0.28 for prediction of impact on BRCA1 function via protein change. A SpliceAI score of 0 predicts no impact on splicing (score threshold <0.10) (PP3 met). Multifactorial likelihood ratio analysis using clinically calibrated data produced a combined LR for this variant of 1.15 (based on Co-occurrence LR=1.07; Family History LR=1.07), which is above the ENIGMA BRCA1/2 VCEP threshold for BP5 (>0.48) and below PP4 (<2.08) (BP5 and PP4 not met; Internal lab contributor). In summary, this variant meets the criteria to be classified as a Likely pathogenic variant for BRCA1-related cancer predisposition based on the ACMG/AMP criteria applied as specified by the ENIGMA BRCA1/2 VCEP (PM2_Supporting, PS3, PP3).

Center for Genomic Medicine, Rigshospitalet, Copenhagen University Hospital
Classification: Likely pathogenic. Last evaluated: 2025-12-29. Review status: criteria provided, single submitter. Criteria: ACMG Guidelines, 2015. Collection method: clinical testing. Allele origin: germline. Not counted in ClinVar's aggregate classification.
Comment: Classification criteria: PM2_supporting, PS3, PP3

Labcorp Genetics (formerly Invitae), Labcorp
Classification: Uncertain significance for Hereditary breast ovarian cancer syndrome. Last evaluated: 2025-07-30. Review status: criteria provided, single submitter. Criteria: Invitae Variant Classification Sherloc (09022015). Collection method: clinical testing. Allele origin: germline. Not counted in ClinVar's aggregate classification.
Comment: This sequence change replaces leucine, which is neutral and non-polar, with proline, which is neutral and non-polar, at codon 1854 of the BRCA1 protein (p.Leu1854Pro). This variant is not present in population databases (gnomAD no frequency). This missense change has been observed in individual(s) with breast and/or ovarian cancer (PMID: 35918668). ClinVar contains an entry for this variant (Variation ID: 55631). Invitae Evidence Modeling incorporating data from in vitro experimental studies (PMID: 30209399) indicates that this missense variant is expected to disrupt BRCA1 function with a positive predictive value of 95%. Experimental studies are conflicting or provide insufficient evidence to determine the effect of this variant on BRCA1 function (PMID: 20516115, 30209399, 30765603). In summary, the available evidence is currently insufficient to determine the role of this variant in disease. Therefore, it has been classified as a Variant of Uncertain Significance.

GeneDx
Classification: Likely pathogenic. Last evaluated: 2024-12-20. Review status: criteria provided, single submitter. Criteria: GeneDx Variant Classification Process June 2021. Collection method: clinical testing. Allele origin: germline. Not counted in ClinVar's aggregate classification.
Comment: In silico analysis supports that this missense variant has a deleterious effect on protein structure/function; Not observed at significant frequency in large population cohorts (gnomAD); Also known as 5680T>C; This variant is associated with the following publications: (PMID: 30765603, 35196514, 29884841, 32377563, 25348405, 20516115, 35665744, 30209399, 28781887, 31131967, 35918668)

Ambry Genetics
Classification: Likely pathogenic for Hereditary cancer-predisposing syndrome. Last evaluated: 2024-05-21. Review status: criteria provided, single submitter. Criteria: Ambry Variant Classification Scheme 2023. Collection method: clinical testing. Allele origin: germline. Not counted in ClinVar's aggregate classification.
Comment: The p.L1854P variant (also known as c.5561T>C), located in coding exon 22 of the BRCA1 gene, results from a T to C substitution at nucleotide position 5561. The leucine at codon 1854 is replaced by proline, an amino acid with similar properties. Protein functional assays have demonstrated that this alteration is non-functional (Findlay GM et al. Nature, 2018 10;562:217-222; Fernandes VC et al. J Biol Chem, 2019 04;294:5980-5992; Lee MS et al. Cancer Res., 2010 Jun;70:4880-90; Adamovich AI et al. Am J Hum Genet 2022 Apr;109(4):618-630). This alteration was also detected in 1/1664 individuals diagnosed with breast and/or ovarian cancer (Zhang Y et al. BMC Cancer, 2022 Aug;22:842).This amino acid position is highly conserved in available vertebrate species. In addition, this alteration is predicted to be deleterious by in silico analysis. This variant is considered to be rare based on population cohorts in the Genome Aggregation Database (gnomAD). Based on the majority of available evidence to date, this variant is likely to be pathogenic.

Sharing Clinical Reports Project (SCRP)
Classification: Uncertain significance for Breast-ovarian cancer, familial 1. Last evaluated: 2012-02-07. Review status: no assertion criteria provided. Collection method: clinical testing. Allele origin: germline. Not counted in ClinVar's aggregate classification.

Breast Cancer Information Core (BIC) (BRCA1)
Classification: Uncertain significance for Breast-ovarian cancer, familial 1. Last evaluated: 2003-12-23. Review status: no assertion criteria provided. Collection method: clinical testing. Allele origin: germline. Affected: yes. Observed: 2 variant alleles. Not counted in ClinVar's aggregate classification.

Brotman Baty Institute, University of Washington
No classification provided (evidence only). Condition: Breast-ovarian cancer, familial 1. Review status: no classification provided. Collection method: in vitro. Allele origin: not applicable. Functional consequence: functionally_abnormal. Not counted in ClinVar's aggregate classification.
ClinVar note: "not provided" was previously submitted as the classification for the variant. However, the classification appeared to be based only on an observation of functional data so it was converted to no classification on 2025-07-30.

Center for Precision Medicine, Meizhou People's Hospital
Classification: Uncertain significance for Familial cancer of breast. Review status: no assertion criteria provided. Collection method: literature only. Allele origin: germline. Affected: yes. Not counted in ClinVar's aggregate classification.

Literature cited by the submitters: PubMed 30209399 (cited by 4 submitters); PubMed 30765603 (cited by 3 submitters); PubMed 35918668 (cited by 3 submitters); PubMed 20516115 (cited by 3 submitters); PubMed 17305420 (cited by Ambry Genetics); PubMed 35196514 (cited by Ambry Genetics); PubMed 10923033 (cited by Center for Precision Medicine, Meizhou People's Hospital).